The following is an entry in ClinVar:

ClinVar aggregate classification (germline): Uncertain significance (1 of 4 stars; one submission).

Conditions:
CNGB1-related disorder. Also called: CNGB1-related condition.

Submission:

PreventionGenetics, part of Exact Sciences
Classification: Uncertain significance for CNGB1-related condition. Last evaluated: 2024-10-22. Review status: criteria provided, single submitter. Criteria: ACMG Guidelines, 2015. Collection method: clinical testing. Allele origin: germline.
Comment: The CNGB1 c.1881C>G variant is predicted to result in the amino acid substitution p.Cys627Trp. To our knowledge, this variant has not been reported in the literature. This variant is reported in 0.0083% of alleles in individuals of African descent in gnomAD. At this time, the clinical significance of this variant is uncertain due to the absence of conclusive functional and genetic evidence.

NM_001297.5(CNGB1):c.1881C>G (p.Cys627Trp)

Gene: CNGB1 (cyclic nucleotide gated channel subunit beta 1; minus strand). Cytogenetic location: 16q21.
Variant type: single nucleotide variant.
Coding change: c.1881C>G on transcript NM_001297.5 (MANE Select); coding-DNA position 1881, C replaced by G.
Protein change: p.Cys627Trp; replaces cysteine 627 with tryptophan.
Molecular consequence: missense variant.
Genome position (GRCh38, 1-based): chr16:57,919,175, G>C on the plus strand (C>G on the coding strand, the complement: CNGB1 is on the minus strand). VCF-style: chr16-57919175-G-C. GRCh37 (hg19) VCF-style: chr16-57953079-G-C.
Other names: c.1863C>G, p.Cys621Trp (NM_001286130.2); short protein forms C621W, C627W.
Identifiers: ClinVar variation 4980101 (VCV004980101.1).